The following is an entry in ClinVar:

NM_001018116.2(CAVIN4):c.963del (p.Ala322fs)

Gene: CAVIN4 (caveolae associated protein 4; plus strand). Cytogenetic location: 9q31.1.
Variant type: Deletion.
Coding change: c.963del on transcript NM_001018116.2 (MANE Select); coding-DNA position 963, one base deleted (A; older notation c.963delA).
Protein change: p.Ala322fs; shifts the reading frame from alanine 322.
Molecular consequence: frameshift variant.
Genome position (GRCh38, 1-based): chr9:100,586,319, A deleted. VCF-style (leftmost placement, unchanged base first): chr9-100586318-CA-C. GRCh37 (hg19) VCF-style: chr9-103348600-CA-C.
Other names: c.963delA (NM_001018116.2); short protein forms A322fs.
Identifiers: ClinVar variation 3354368 (VCV003354368.1).

ClinVar aggregate classification (germline): Uncertain significance (0 of 4 stars; one submission).

Conditions:
CAVIN4-related disorder. Also called: CAVIN4-related condition.

Submission:

PreventionGenetics, part of Exact Sciences
Classification: Uncertain significance for CAVIN4-related condition. Last evaluated: 2024-06-27. Review status: no assertion criteria provided. Collection method: clinical testing. Allele origin: germline.
Comment: The CAVIN4 c.963delA variant is predicted to result in a frameshift and premature protein termination (p.Ala322Profs*19). To our knowledge, this variant has not been reported in the literature. This variant is reported in 0.031% of alleles in individuals of Latino descent in gnomAD. Loss of function has not been established as a mechanism for CAVIN4-related disorders. At this time, the clinical significance of this variant is uncertain due to the absence of conclusive functional and genetic evidence.